The following is an entry in ClinVar:

NM_014915.3(ANKRD26):c.2841A>C (p.Lys947Asn)

Gene: ANKRD26 (ankyrin repeat domain 26; minus strand). Cytogenetic location: 10p12.1.
Variant type: single nucleotide variant.
Coding change: c.2841A>C on transcript NM_014915.3 (MANE Select); coding-DNA position 2841, A replaced by C.
Protein change: p.Lys947Asn; replaces lysine 947 with asparagine.
Molecular consequence: missense variant.
Genome position (GRCh38, 1-based): chr10:27,035,609, T>G on the plus strand (A>C on the coding strand, the complement: ANKRD26 is on the minus strand). VCF-style: chr10-27035609-T-G. GRCh37 (hg19) VCF-style: chr10-27324538-T-G.
Other names: c.2838A>C, p.Lys946Asn (NM_001256053.2); short protein forms K946N, K947N.
Identifiers: ClinVar variation 4859056 (VCV004859056.1).

ClinVar aggregate classification (germline): Uncertain significance (1 of 4 stars; one submission).

Conditions:
Inborn genetic diseases. Identifiers: MedGen C0950123, MeSH D030342.

Submission:

Ambry Genetics
Classification: Uncertain significance for Inborn genetic diseases. Last evaluated: 2026-03-17. Review status: criteria provided, single submitter. Criteria: Ambry Variant Classification Scheme 2023. Collection method: clinical testing. Allele origin: germline.
Comment: The p.K947N variant (also known as c.2841A>C), located in coding exon 24 of the ANKRD26 gene, results from an A to C substitution at nucleotide position 2841. The lysine at codon 947 is replaced by asparagine, an amino acid with similar properties. This amino acid position is conserved. In addition, this alteration is predicted to be tolerated by in silico analysis. Based on the available evidence, the clinical significance of this variant remains unclear.